The following is an entry in ClinVar:

ClinVar aggregate classification (germline): Uncertain significance (1 of 4 stars; one submission).

Conditions:
Ehlers-Danlos syndrome, classic type, 1 (EDSCL1). Also called: EHLERS-DANLOS SYNDROME, GRAVIS TYPE; EHLERS-DANLOS SYNDROME, SEVERE CLASSIC TYPE; Ehlers-Danlos syndrome, type 1; Ehlers-Danlos Syndrome, Classic Type, COL5A1-Related; EDS I. Identifiers: MedGen C0268335, MONDO:0019567, OMIM 130000.

Submission:

Labcorp Genetics (formerly Invitae), Labcorp
Classification: Uncertain significance for Ehlers-Danlos syndrome, classic type, 1. Last evaluated: 2024-02-09. Review status: criteria provided, single submitter. Criteria: Invitae Variant Classification Sherloc (09022015). Collection method: clinical testing. Allele origin: germline.
Comment: This sequence change replaces threonine, which is neutral and polar, with isoleucine, which is neutral and non-polar, at codon 1385 of the COL5A2 protein (p.Thr1385Ile). This variant is not present in population databases (gnomAD no frequency). This variant has not been reported in the literature in individuals affected with COL5A2-related conditions. Advanced modeling of protein sequence and biophysical properties (such as structural, functional, and spatial information, amino acid conservation, physicochemical variation, residue mobility, and thermodynamic stability) performed at Invitae indicates that this missense variant is not expected to disrupt COL5A2 protein function with a negative predictive value of 95%. In summary, the available evidence is currently insufficient to determine the role of this variant in disease. Therefore, it has been classified as a Variant of Uncertain Significance.

NM_000393.5(COL5A2):c.4154C>T (p.Thr1385Ile)

Gene: COL5A2 (collagen type V alpha 2 chain; minus strand). Cytogenetic location: 2q32.2.
Variant type: single nucleotide variant.
Coding change: c.4154C>T on transcript NM_000393.5 (MANE Select); coding-DNA position 4154, C replaced by T.
Protein change: p.Thr1385Ile; replaces threonine 1385 with isoleucine.
Molecular consequence: missense variant.
Genome position (GRCh38, 1-based): chr2:189,035,115, G>A on the plus strand (C>T on the coding strand, the complement: COL5A2 is on the minus strand). VCF-style: chr2-189035115-G-A. GRCh37 (hg19) VCF-style: chr2-189899841-G-A.
Other names: short protein forms T1385I.
Identifiers: ClinVar variation 2729390 (VCV002729390.3), dbSNP rs2469209785, ClinGen allele CA349855220.